The following is an entry in ClinVar:

ClinVar aggregate classification (germline): Likely benign (1 of 4 stars; one submission).

gnomAD v4.1: 8 of 1,550,608 alleles (0.00052%); highest among the groups gnomAD compares: Admixed American, 0.002%; no homozygotes.

Submission:

CeGaT Center for Human Genetics Tuebingen
Classification: Likely benign. Last evaluated: 2025-05-01. Review status: criteria provided, single submitter. Criteria: CeGaT Center For Human Genetics Tuebingen Variant Classification Criteria Version 2. Collection method: clinical testing. Allele origin: germline. Affected: yes. Observed: 1 variant allele.
Comment: FAM187A: BP4, BP7

NM_001258400.2(FAM187A):c.1020G>A (p.Arg340=)

Genes: DNAAF19 (dynein axonemal assembly factor 19; plus strand), FAM187A (family with sequence similarity 187 member A; plus strand), GFAP (glial fibrillary acidic protein; minus strand). Cytogenetic location: 17q21.31.
Variant type: single nucleotide variant.
Coding change: c.1020G>A on transcript NM_001258400.2 (MANE Select); coding-DNA position 1020, G replaced by A.
Protein change: p.Arg340=; no amino-acid change (arginine 340 retained).
Molecular consequence: synonymous variant. On other transcripts: 3 prime UTR variant (7).
Genome position (GRCh38, 1-based): chr17:44,904,849, G>A. VCF-style: chr17-44904849-G-A. GRCh37 (hg19) VCF-style: chr17-42982217-G-A.
Other names: c.*2498C>T (NM_002055.5); c.*2032G>A (NM_001258395.2, NM_001258396.2, NM_213607.3); c.*2511G>A (NM_001258397.3); c.*2450G>A (NM_001258398.3, NM_001258399.2).
Identifiers: ClinVar variation 3905996 (VCV003905996.10).